The following is an entry in ClinVar:

NM_001098816.3(TENM4):c.5653G>A (p.Val1885Met)

Gene: TENM4 (teneurin transmembrane protein 4; minus strand). Cytogenetic location: 11q14.1.
Variant type: single nucleotide variant.
Coding change: c.5653G>A on transcript NM_001098816.3 (MANE Select); coding-DNA position 5653, G replaced by A.
Protein change: p.Val1885Met; replaces valine 1885 with methionine.
Molecular consequence: missense variant.
Genome position (GRCh38, 1-based): chr11:78,672,173, C>T on the plus strand (G>A on the coding strand, the complement: TENM4 is on the minus strand). VCF-style: chr11-78672173-C-T. GRCh37 (hg19) VCF-style: chr11-78383218-C-T.
Other names: p.Val1885Met; short protein forms V1885M.
Identifiers: ClinVar variation 2462286 (VCV002462286.4), dbSNP rs377174822, ClinGen allele CA6206560.

ClinVar aggregate classification (germline): Uncertain significance. Review status: criteria provided, multiple submitters, no conflicts (2 of 4 stars). 2 submissions from 2 submitters: Uncertain significance (2). Last evaluated 2025-06-10.

Allele frequency attached by ClinVar (database versions not stated): TOPMed 0.00019; gnomAD exomes 0.00014; ESP Exome Variant Server 0.00008; ExAC 0.00030; gnomAD 0.00017.
gnomAD v4.1: 242 of 1,613,780 alleles (0.015%); highest among the groups gnomAD compares: South Asian, 0.024%; no homozygotes.

Submissions (2):

Mayo Clinic Laboratories, Mayo Clinic
Classification: Uncertain significance. Last evaluated: 2025-06-10. Review status: criteria provided, single submitter. Criteria: ACMG Guidelines, 2015. Collection method: clinical testing. Allele origin: germline. Observed: 3 variant alleles.
Comment: BS2

Ambry Genetics
Classification: Uncertain significance. Last evaluated: 2023-02-02. Review status: criteria provided, single submitter. Criteria: Ambry Variant Classification Scheme 2023. Collection method: clinical testing. Allele origin: germline.